The following is an entry in ClinVar:

ClinVar aggregate classification (germline): Benign. Review status: criteria provided, multiple submitters, no conflicts (2 of 4 stars). 4 submissions from 4 submitters: Benign (4). Last evaluated 2025-12-24.

Conditions:
Congenital brain dysgenesis due to glutamine synthetase deficiency (GLND). Also called: GLUTAMINE SYNTHASE DEFICIENCY, CONGENITAL SYSTEMIC. Identifiers: Orphanet 71278, MedGen C1864910, MONDO:0012393, OMIM 610015.

Allele frequency attached by ClinVar (database versions not stated): gnomAD 0.01038; ESP Exome Variant Server 0.01099; 1000 Genomes Project 0.01158; 1000 Genomes Project 30x 0.01171; TOPMed 0.01220.
gnomAD v4.1: 3,194 of 1,613,966 alleles (0.2%); highest among the groups gnomAD compares: African/African-American, 3.7%; 74 homozygotes.

Submissions (4):

Labcorp Genetics (formerly Invitae), Labcorp
Classification: Benign for Congenital brain dysgenesis due to glutamine synthetase deficiency. Last evaluated: 2025-12-24. Review status: criteria provided, single submitter. Criteria: Invitae Variant Classification Sherloc (09022015). Collection method: clinical testing. Allele origin: germline.

Mayo Clinic Laboratories, Mayo Clinic
Classification: Benign. Last evaluated: 2025-01-06. Review status: criteria provided, single submitter. Criteria: ACMG Guidelines, 2015. Collection method: clinical testing. Allele origin: germline. Observed: 7 variant alleles.
Comment: BA1

Illumina Laboratory Services, Illumina
Classification: Benign for Congenital brain dysgenesis due to glutamine synthetase deficiency. Last evaluated: 2018-01-12. Review status: criteria provided, single submitter. Criteria: ICSL Variant Classification Criteria 13 December 2019. Collection method: clinical testing. Allele origin: germline.
Comment: This variant was observed in the ICSL laboratory as part of a predisposition screen in an ostensibly healthy population. It had not been previously curated by ICSL or reported in the Human Gene Mutation Database (HGMD: prior to June 1st, 2018), and was therefore a candidate for classification through an automated scoring system. Utilizing variant allele frequency, disease prevalence and penetrance estimates, and inheritance mode, an automated score was calculated to assess if this variant is too frequent to cause the disease. Based on the score and internal cut-off values, a variant classified as benign is not then subjected to further curation. The score for this variant resulted in a classification of benign for this disease.

Breakthrough Genomics
Classification: Benign. Review status: criteria provided, single submitter. Criteria: ACMG Guidelines, 2015. Collection method: not provided. Allele origin: germline. Inheritance: Autosomal recessive inheritance. Affected: yes.

NM_001033044.4(GLUL):c.825G>A (p.Glu275=)

Gene: GLUL (glutamate-ammonia ligase; minus strand). Cytogenetic location: 1q25.3.
Variant type: single nucleotide variant.
Coding change: c.825G>A on transcript NM_001033044.4 (MANE Select); coding-DNA position 825, G replaced by A.
Protein change: p.Glu275=; no amino-acid change (glutamic acid 275 retained).
Molecular consequence: synonymous variant.
Genome position (GRCh38, 1-based): chr1:182,384,702, C>T on the plus strand (G>A on the coding strand, the complement: GLUL is on the minus strand). VCF-style: chr1-182384702-C-T. GRCh37 (hg19) VCF-style: chr1-182353837-C-T.
Other names: p.Glu275=; c.825G>A, p.Glu275= (NM_001033056.4, NM_002065.7).
Identifiers: ClinVar variation 293944 (VCV000293944.17), dbSNP rs35378126, ClinGen allele CA1277020.